The following is an entry in ClinVar:

ClinVar aggregate classification (germline): Uncertain significance (1 of 4 stars; one submission).

Submission:

GeneDx
Classification: Uncertain significance. Last evaluated: 2024-01-31. Review status: criteria provided, single submitter. Criteria: GeneDx Variant Classification Process June 2021. Collection method: clinical testing. Allele origin: germline. Affected: yes.
Comment: Not observed at significant frequency in large population cohorts (gnomAD); In silico analysis supports that this missense variant has a deleterious effect on protein structure/function; Has not been previously published as pathogenic or benign to our knowledge

NM_001220.5(CAMK2B):c.413A>G (p.Lys138Arg)

Gene: CAMK2B (calcium/calmodulin dependent protein kinase II beta; minus strand). Cytogenetic location: 7p13.
Variant type: single nucleotide variant.
Coding change: c.413A>G on transcript NM_001220.5 (MANE Select); coding-DNA position 413, A replaced by G.
Protein change: p.Lys138Arg; replaces lysine 138 with arginine.
Molecular consequence: missense variant.
Genome position (GRCh38, 1-based): chr7:44,247,121, T>C on the plus strand (A>G on the coding strand, the complement: CAMK2B is on the minus strand). VCF-style: chr7-44247121-T-C. GRCh37 (hg19) VCF-style: chr7-44286720-T-C.
Other names: c.413A>G, p.Lys138Arg (NM_001293170.2, NM_172078.3, NM_172079.3 and 5 more transcripts); short protein forms K138R.
Identifiers: ClinVar variation 3368384 (VCV003368384.1).